The following is an entry in ClinVar:

ClinVar aggregate classification (germline): Uncertain significance (1 of 4 stars; one submission).

Conditions:
Retinitis pigmentosa 1 (RP1). Identifiers: Orphanet 791, MedGen C0220701, MONDO:0008377, OMIM 180100.

gnomAD v4.1: 1 of 1,613,532 alleles (0.000062%); highest among the groups gnomAD compares: South Asian, 0.0011%; no homozygotes.

Submission:

Neuberg Centre For Genomic Medicine, NCGM
Classification: Uncertain significance for Retinitis pigmentosa 1. Last evaluated: 2023-05-20. Review status: criteria provided, single submitter. Criteria: ACMG Guidelines, 2015. Collection method: clinical testing. Allele origin: germline. Inheritance: Autosomal dominant inheritance. Affected: yes.
Comment: The observed missense c.4535A>G (p.Lys1512Arg) variant in RP1 gene has not been reported previously as a pathogenic variant nor as a benign variant, to our knowledge. The p.Lys1512Arg variant is absent in gnomAD Exomes. This variant has not been submitted to the ClinVar database. Multiple lines of computational evidence (Polyphen - Benign, SIFT - Tolerated and MutationTaster - Polymorphism) predict no damaging effect on protein structure and function for this variant. The amino acid change p.Lys1512Arg in RP1 is predicted as conserved by PhyloP across 100 vertebrates. The amino acid Lys at position 1512 is changed to a Arg changing protein sequence and it might alter its composition and physico-chemical properties. However, additional functional studies will be required to prove the pathogenicity of this variant. For these reasons, this variant has been classified as a Variant of Uncertain Significance (VUS).

NM_006269.2(RP1):c.4535A>G (p.Lys1512Arg)

Gene: RP1 (RP1 axonemal microtubule associated; plus strand). Cytogenetic location: 8q12.1.
Variant type: single nucleotide variant.
Coding change: c.4535A>G on transcript NM_006269.2 (MANE Select); coding-DNA position 4535, A replaced by G.
Protein change: p.Lys1512Arg; replaces lysine 1512 with arginine.
Molecular consequence: missense variant. On other transcripts: intron variant (1).
Genome position (GRCh38, 1-based): chr8:54,628,417, A>G. VCF-style: chr8-54628417-A-G. GRCh37 (hg19) VCF-style: chr8-55540977-A-G.
Other names: c.787+6129A>G (NM_001375654.1); short protein forms K1512R.
Identifiers: ClinVar variation 3341334 (VCV003341334.1).